The following is an entry in ClinVar:

ClinVar aggregate classification (germline): Pathogenic. Review status: criteria provided, single submitter (1 of 4 stars). 2 submissions from 2 submitters: Pathogenic (1). 1 of the submissions does not count toward it. Last evaluated 2024-05-03.

Submissions (2):

GeneDx
Classification: Pathogenic. Last evaluated: 2024-05-03. Review status: criteria provided, single submitter. Criteria: GeneDx Variant Classification Process June 2021. Collection method: clinical testing. Allele origin: germline. Affected: yes.
Comment: In silico analysis supports that this missense variant has a deleterious effect on protein structure/function; Not observed at significant frequency in large population cohorts (gnomAD); This variant is associated with the following publications: (PMID: 26922519, 37624850, 30145357, 18162544, 34862408, 31498906, 19210577, 10939567, 34240052)

Epithelial Biology;  Institute of Medical Biology, Singapore
No classification provided. Review status: no classification provided. Collection method: not provided. Allele origin: not provided. Not counted in ClinVar's aggregate classification.

NM_170707.4(LMNA):c.149G>C (p.Arg50Pro)

Gene: LMNA (lamin A/C; plus strand). Cytogenetic location: 1q22.
Variant type: single nucleotide variant.
Coding change: c.149G>C on transcript NM_170707.4 (MANE Select); coding-DNA position 149, G replaced by C.
Protein change: p.Arg50Pro; replaces arginine 50 with proline.
Molecular consequence: missense variant.
Genome position (GRCh38, 1-based): chr1:156,115,067, G>C. VCF-style: chr1-156115067-G-C. GRCh37 (hg19) VCF-style: chr1-156084858-G-C.
Other names: c.149G>C, p.Arg50Pro (NM_001282625.2, NM_001282626.2, NM_005572.4 and 1 more transcripts); short protein forms R50P.
Identifiers: ClinVar variation 66840 (VCV000066840.2), dbSNP rs60695352, ClinGen allele CA017377.
Genomic context (GRCh38, chr1:156,115,067, plus strand): 5'-AGGAGAAGGAGGACCTGCAGGAGCTCAATGATCGCTTGGCGGTCTACATCGACCGTGTGC[G>C]CTCGCTGGAAACGGAGAACGCAGGGCTGCGCCTTCGCATCACCGAGTCTGAAGAGGTGGT-3'
Protein context (NP_733821.1, residues 40-60): DRLAVYIDRV[Arg50Pro]SLETENAGLR